The following is an entry in ClinVar:

ClinVar aggregate classification (germline): Pathogenic (1 of 4 stars; one submission).

Conditions:
Hereditary cancer-predisposing syndrome. Also called: Neoplastic Syndromes, Hereditary; Tumor predisposition; Hereditary Cancer Syndrome; Hereditary neoplastic syndrome. Identifiers: Orphanet 140162, MedGen C0027672, MeSH D009386, MONDO:0015356.

Submission:

Ambry Genetics
Classification: Pathogenic for Hereditary cancer-predisposing syndrome. Last evaluated: 2023-07-07. Review status: criteria provided, single submitter. Criteria: Ambry Variant Classification Scheme 2023. Collection method: clinical testing. Allele origin: germline.
Comment: The c.1806_1809delTACC pathogenic mutation, located in coding exon 15 of the MRE11A gene, results from a deletion of 4 nucleotides at nucleotide positions 1806 to 1809, causing a translational frameshift with a predicted alternate stop codon (p.T603Vfs*18). This alteration is expected to result in loss of function by premature protein truncation or nonsense-mediated mRNA decay. As such, this alteration is interpreted as a disease-causing mutation.

NM_005591.4(MRE11):c.1806_1809del (p.Thr603fs)

Gene: MRE11 (MRE11 double strand break repair nuclease; minus strand). Cytogenetic location: 11q21.
Variant type: Deletion.
Coding change: c.1806_1809del on transcript NM_005591.4 (MANE Select); coding-DNA positions 1806 to 1809, 4 bases deleted (TACC; older notation c.1806_1809delTACC).
Protein change: p.Thr603fs; shifts the reading frame from threonine 603.
Molecular consequence: frameshift variant. On other transcripts: intron variant (1).
Genome position (GRCh38, 1-based): chr11:94,445,868-94,445,871, GGTA deleted on the plus strand (TACC on the coding strand, the reverse complement: MRE11 is on the minus strand); deleting any 4 consecutive bases within chr11:94,445,868-94,445,872 gives the same sequence; the c. name uses the placement nearest the transcript's 3' end. VCF-style (leftmost placement, unchanged base first): chr11-94445867-GGGTA-G. GRCh37 (hg19) VCF-style: chr11-94179033-GGGTA-G.
Other names: c.1803_1806del, p.Thr602fs (NM_001330347.2); c.1783+1348_1783+1351del (NM_005590.4); short protein forms T602fs, T603fs.
Identifiers: ClinVar variation 820111 (VCV000820111.5), dbSNP rs1591652976, ClinGen allele CA915948775.